The following is an entry in ClinVar:

NM_052867.4(NALCN):c.557T>C (p.Leu186Pro)

Gene: NALCN (sodium leak channel, non-selective; minus strand). Cytogenetic location: 13q33.1.
Variant type: single nucleotide variant.
Coding change: c.557T>C on transcript NM_052867.4 (MANE Select); coding-DNA position 557, T replaced by C.
Protein change: p.Leu186Pro; replaces leucine 186 with proline.
Molecular consequence: missense variant.
Genome position (GRCh38, 1-based): chr13:101,376,787, A>G on the plus strand (T>C on the coding strand, the complement: NALCN is on the minus strand). VCF-style: chr13-101376787-A-G. GRCh37 (hg19) VCF-style: chr13-102029138-A-G.
Other names: c.557T>C, p.Leu186Pro (NM_001350748.2, NM_001350749.2, NM_001350750.2 and 1 more transcripts); short protein forms L186P.
Identifiers: ClinVar variation 4883455 (VCV004883455.2).

ClinVar aggregate classification (germline): Likely pathogenic (1 of 4 stars; one submission).

Submission:

Dasa
Classification: Likely pathogenic. Last evaluated: 2025-04-09. Review status: criteria provided, single submitter. Criteria: DASA Assertion Criteria. Collection method: clinical testing. Allele origin: germline.
Comment: NM_052867.4(NALCN):c.557T>C (p.Leu186Pro) is a missense variant that results in the substitution of leucine with proline. The affected residue or protein region has prior evidence supporting clinical relevance. De novo occurrence has been reported in an individual with NALCN-related disorders. This variant is absent from population databases. Computational evidence supports a deleterious effect. Based on the currently available evidence, this variant is classified as likely pathogenic.